The following is an entry in ClinVar:

ClinVar aggregate classification (germline): Uncertain significance. Review status: criteria provided, multiple submitters, no conflicts (2 of 4 stars). 2 submissions from 2 submitters: Uncertain significance (2). Last evaluated 2024-12-30.

Conditions:
Inborn genetic diseases. Identifiers: MedGen C0950123, MeSH D030342.

Allele frequency attached by ClinVar (database versions not stated): TOPMed below 0.00001; gnomAD 0.00001.
gnomAD v4.1: 1 of 1,612,442 alleles (0.000062%); highest among the groups gnomAD compares: South Asian, 0.0011%; no homozygotes.

Submissions (2):

Ambry Genetics
Classification: Uncertain significance for Inborn genetic diseases. Last evaluated: 2024-12-30. Review status: criteria provided, single submitter. Criteria: Ambry Variant Classification Scheme 2023. Collection method: clinical testing. Allele origin: germline.

Labcorp Genetics (formerly Invitae), Labcorp
Classification: Uncertain significance. Last evaluated: 2023-01-13. Review status: criteria provided, single submitter. Criteria: Invitae Variant Classification Sherloc (09022015). Collection method: clinical testing. Allele origin: germline.
Comment: This variant has not been reported in the literature in individuals affected with DDX41-related conditions. This variant is not present in population databases (gnomAD no frequency). This sequence change replaces methionine, which is neutral and non-polar, with valine, which is neutral and non-polar, at codon 301 of the DDX41 protein (p.Met301Val). In summary, the available evidence is currently insufficient to determine the role of this variant in disease. Therefore, it has been classified as a Variant of Uncertain Significance. Algorithms developed to predict the effect of missense changes on protein structure and function are either unavailable or do not agree on the potential impact of this missense change (SIFT: "Not Available"; PolyPhen-2: "Benign"; Align-GVGD: "Not Available").

NM_016222.4(DDX41):c.901A>G (p.Met301Val)

Gene: DDX41 (DEAD-box helicase 41; minus strand). Cytogenetic location: 5q35.3.
Variant type: single nucleotide variant.
Coding change: c.901A>G on transcript NM_016222.4 (MANE Select); coding-DNA position 901, A replaced by G.
Protein change: p.Met301Val; replaces methionine 301 with valine.
Molecular consequence: missense variant.
Genome position (GRCh38, 1-based): chr5:177,514,735, T>C on the plus strand (A>G on the coding strand, the complement: DDX41 is on the minus strand). VCF-style: chr5-177514735-T-C. GRCh37 (hg19) VCF-style: chr5-176941736-T-C.
Other names: c.523A>G, p.Met175Val (NM_001321732.2, NM_001321830.2); c.901A>G (NM_016222.2); short protein forms M175V, M301V.
Identifiers: ClinVar variation 2828238 (VCV002828238.4), dbSNP rs1761140994, ClinGen allele CA362374714.